The following is an entry in ClinVar:

NM_024529.5(CDC73):c.1076C>T (p.Thr359Ile)

Gene: CDC73 (cell division cycle 73; plus strand). Cytogenetic location: 1q31.2.
Variant type: single nucleotide variant.
Coding change: c.1076C>T on transcript NM_024529.5 (MANE Select); coding-DNA position 1076, C replaced by T.
Protein change: p.Thr359Ile; replaces threonine 359 with isoleucine.
Molecular consequence: missense variant.
Genome position (GRCh38, 1-based): chr1:193,212,399, C>T. VCF-style: chr1-193212399-C-T. GRCh37 (hg19) VCF-style: chr1-193181529-C-T.
Other names: short protein forms T359I.
Identifiers: ClinVar variation 1477988 (VCV001477988.9), dbSNP rs1677294864, ClinGen allele CA344077525.
Genomic context (GRCh38, chr1:193,212,399, plus strand): 5'-AAGTATAATTTCTAATAATATATTTTCTACCTGTAAATTTTGTCTTTATAGGATCTCGAA[C>T]ACCCATTATCATAATTCCTGCAGCTACCACCTCTTTAATAACCATGCTTAATGCAAAAGA-3'
Protein context (NP_078805.3, residues 349-369): PPPNQKKGSR[Thr359Ile]PIIIIPAATT

ClinVar aggregate classification (germline): Uncertain significance. Review status: criteria provided, multiple submitters, no conflicts (2 of 4 stars). 2 submissions from 2 submitters: Uncertain significance (2). Last evaluated 2023-06-25.

Conditions:
Hereditary cancer-predisposing syndrome. Also called: Tumor predisposition; Hereditary Cancer Syndrome; Hereditary neoplastic syndrome; Neoplastic Syndromes, Hereditary. Identifiers: Orphanet 140162, MedGen C0027672, MeSH D009386, MONDO:0015356.
Parathyroid carcinoma (PRTC). Also called: Parathyroid gland carcinoma; CDC73-Related Parathyroid Carcinoma. Identifiers: Orphanet 143, MedGen C0687150, MONDO:0012004, OMIM 608266, HP:0006780.

Allele frequency attached by ClinVar (database versions not stated): gnomAD exomes below 0.00001; gnomAD 0.00001.
gnomAD v4.1: 2 of 1,595,320 alleles (0.00013%); highest among the groups gnomAD compares: Non-Finnish European, 0.00017%; no homozygotes.

Submissions (2):

Labcorp Genetics (formerly Invitae), Labcorp
Classification: Uncertain significance for Parathyroid carcinoma. Last evaluated: 2023-06-25. Review status: criteria provided, single submitter. Criteria: Invitae Variant Classification Sherloc (09022015). Collection method: clinical testing. Allele origin: germline.
Comment: In summary, the available evidence is currently insufficient to determine the role of this variant in disease. Therefore, it has been classified as a Variant of Uncertain Significance. Advanced modeling of protein sequence and biophysical properties (such as structural, functional, and spatial information, amino acid conservation, physicochemical variation, residue mobility, and thermodynamic stability) performed at Invitae indicates that this missense variant is not expected to disrupt CDC73 protein function. ClinVar contains an entry for this variant (Variation ID: 1477988). This variant has not been reported in the literature in individuals affected with CDC73-related conditions. This variant is not present in population databases (gnomAD no frequency). This sequence change replaces threonine, which is neutral and polar, with isoleucine, which is neutral and non-polar, at codon 359 of the CDC73 protein (p.Thr359Ile).

Ambry Genetics
Classification: Uncertain significance for Hereditary cancer-predisposing syndrome. Last evaluated: 2023-04-24. Review status: criteria provided, single submitter. Criteria: Ambry Variant Classification Scheme 2023. Collection method: clinical testing. Allele origin: germline.
Comment: The p.T359I variant (also known as c.1076C>T), located in coding exon 13 of the CDC73 gene, results from a C to T substitution at nucleotide position 1076. The threonine at codon 359 is replaced by isoleucine, an amino acid with similar properties. This amino acid position is highly conserved in available vertebrate species. In addition, the in silico prediction for this alteration is inconclusive. Since supporting evidence is limited at this time, the clinical significance of this alteration remains unclear.